The following is an entry in ClinVar:

NM_001361.5(DHODH):c.820-10C>T

Gene: DHODH (dihydroorotate dehydrogenase (quinone); plus strand). Cytogenetic location: 16q22.2.
Variant type: single nucleotide variant.
Coding change: c.820-10C>T on transcript NM_001361.5 (MANE Select); 10 bases into the intron before coding-DNA position 820, C replaced by T.
Molecular consequence: intron variant.
Genome position (GRCh38, 1-based): chr16:72,023,155, C>T. VCF-style: chr16-72023155-C-T. GRCh37 (hg19) VCF-style: chr16-72057054-C-T.
Identifiers: ClinVar variation 747771 (VCV000747771.5), dbSNP rs369379668, ClinGen allele CA8158774.
Genomic context (GRCh38, chr16:72,023,155, plus strand): 5'-ACCTCCAGAGAAGCGCCTCTGGGTCCTTCGGTGCTATGACTCATGGCTTTTTCTCTATCT[C>T]GCACTGCAGTTGGGCATCGATGGGCTGATTGTTACGAACACCACCGTGAGTCGCCCTGCG-3'

ClinVar aggregate classification (germline): Likely benign. Review status: criteria provided, single submitter (1 of 4 stars). 2 submissions from 2 submitters: Likely benign (1). 1 of the submissions does not count toward it. Last evaluated 2018-05-24.

Conditions:
DHODH-related disorder. Also called: DHODH-related condition.

Allele frequency attached by ClinVar (database versions not stated): gnomAD exomes 0.00004 and 0.00008; ESP Exome Variant Server 0.00008; ExAC 0.00010; TOPMed 0.00010; gnomAD 0.00013; 1000 Genomes Project 0.00020; 1000 Genomes Project 30x 0.00031.
gnomAD v4.1: 73 of 1,614,046 alleles (0.0045%); highest among the groups gnomAD compares: Admixed American, 0.03%; no homozygotes.

Submissions (2):

Labcorp Genetics (formerly Invitae), Labcorp
Classification: Likely benign. Last evaluated: 2018-05-24. Review status: criteria provided, single submitter. Criteria: Invitae Variant Classification Sherloc (09022015). Collection method: clinical testing. Allele origin: germline.

PreventionGenetics, part of Exact Sciences
Classification: Likely benign for DHODH-related condition. Last evaluated: 2022-08-16. Review status: no assertion criteria provided. Collection method: clinical testing. Allele origin: germline. Not counted in ClinVar's aggregate classification.
Comment: This variant is classified as likely benign based on ACMG/AMP sequence variant interpretation guidelines (Richards et al. 2015 PMID: 25741868, with internal and published modifications).